The following is an entry in ClinVar:

NM_000075.4(CDK4):c.553G>A (p.Val185Ile)

Gene: CDK4 (cyclin dependent kinase 4; minus strand). Cytogenetic location: 12q14.1.
Variant type: single nucleotide variant.
Coding change: c.553G>A on transcript NM_000075.4 (MANE Select); coding-DNA position 553, G replaced by A.
Protein change: p.Val185Ile; replaces valine 185 with isoleucine.
Molecular consequence: missense variant.
Genome position (GRCh38, 1-based): chr12:57,750,735, C>T on the plus strand (G>A on the coding strand, the complement: CDK4 is on the minus strand). VCF-style: chr12-57750735-C-T. GRCh37 (hg19) VCF-style: chr12-58144518-C-T.
Other names: short protein forms V185I.
Identifiers: ClinVar variation 993215 (VCV000993215.17), dbSNP rs757302656, ClinGen allele CA6657779.

ClinVar aggregate classification (germline): Uncertain significance. Review status: criteria provided, multiple submitters, no conflicts (2 of 4 stars). 4 submissions from 4 submitters: Uncertain significance (4). Last evaluated 2025-12-13.

Conditions:
Hereditary cancer-predisposing syndrome. Also called: Neoplastic Syndromes, Hereditary; Hereditary Cancer Syndrome; Tumor predisposition; Hereditary neoplastic syndrome. Identifiers: Orphanet 140162, MedGen C0027672, MeSH D009386, MONDO:0015356.
Familial melanoma. Also called: Hereditary melanoma; Hereditary cutaneous melanoma. Identifiers: Orphanet 618, MedGen C1512419, MONDO:0018961.

Allele frequency attached by ClinVar (database versions not stated): gnomAD exomes below 0.00001; TOPMed below 0.00001; ExAC 0.00001; gnomAD 0.00001.
gnomAD v4.1: 3 of 1,614,028 alleles (0.00019%); highest among the groups gnomAD compares: Non-Finnish European, 0.00025%; no homozygotes.

Submissions (4):

Ambry Genetics
Classification: Uncertain significance for Hereditary cancer-predisposing syndrome. Last evaluated: 2025-12-13. Review status: criteria provided, single submitter. Criteria: Ambry Variant Classification Scheme 2023. Collection method: clinical testing. Allele origin: germline.
Comment: The p.V185I variant (also known as c.553G>A), located in coding exon 4 of the CDK4 gene, results from a G to A substitution at nucleotide position 553. The valine at codon 185 is replaced by isoleucine, an amino acid with highly similar properties. This amino acid position is highly conserved in available vertebrate species. In addition, this alteration is predicted to be tolerated by in silico analysis. Since supporting evidence is limited at this time, the clinical significance of this alteration remains unclear.

Labcorp Genetics (formerly Invitae), Labcorp
Classification: Uncertain significance for Familial melanoma. Last evaluated: 2025-07-23. Review status: criteria provided, single submitter. Criteria: Invitae Variant Classification Sherloc (09022015). Collection method: clinical testing. Allele origin: germline.
Comment: This sequence change replaces valine, which is neutral and non-polar, with isoleucine, which is neutral and non-polar, at codon 185 of the CDK4 protein (p.Val185Ile). This variant is not present in population databases (gnomAD no frequency). This variant has not been reported in the literature in individuals affected with CDK4-related conditions. ClinVar contains an entry for this variant (Variation ID: 993215). An algorithm developed to predict the effect of missense changes on protein structure and function (PolyPhen-2) suggests that this variant is likely to be tolerated. In summary, the available evidence is currently insufficient to determine the role of this variant in disease. Therefore, it has been classified as a Variant of Uncertain Significance.

Center for Genomic Medicine, Rigshospitalet, Copenhagen University Hospital
Classification: Uncertain significance. Last evaluated: 2025-03-04. Review status: criteria provided, single submitter. Criteria: ACMG Guidelines, 2015. Collection method: clinical testing. Allele origin: germline.

Quest Diagnostics Nichols Institute San Juan Capistrano
Classification: Uncertain significance. Last evaluated: 2020-03-24. Review status: criteria provided, single submitter. Criteria: Quest Diagnostics criteria. Collection method: clinical testing. Allele origin: unknown.